The following is an entry in ClinVar:

ClinVar aggregate classification (germline): Uncertain significance (1 of 4 stars; one submission).

Conditions:
Singleton-Merten syndrome 1 (SGMRT1). Also called: Widened medullary cavities of bone, aortic calcification, abnormal dentition, and muscular weakness; Syndrome of widened medullary cavities of the metacarpals and phalanges, aortic calcification and abnormal dentition. Identifiers: Orphanet 85191, MedGen C4225427, MONDO:0024535, OMIM 182250.
Aicardi-Goutieres syndrome 7 (AGS7). Identifiers: Orphanet 51, MedGen C3888244, MONDO:0014367, OMIM 615846.

Submission:

Labcorp Genetics (formerly Invitae), Labcorp
Classification: Uncertain significance for Aicardi-Goutieres syndrome 7; Singleton-Merten syndrome 1. Last evaluated: 2023-12-27. Review status: criteria provided, single submitter. Criteria: Invitae Variant Classification Sherloc (09022015). Collection method: clinical testing. Allele origin: germline.
Comment: This sequence change replaces glycine, which is neutral and non-polar, with valine, which is neutral and non-polar, at codon 965 of the IFIH1 protein (p.Gly965Val). This variant is not present in population databases (gnomAD no frequency). This variant has not been reported in the literature in individuals affected with IFIH1-related conditions. ClinVar contains an entry for this variant (Variation ID: 1488354). Advanced modeling of protein sequence and biophysical properties (such as structural, functional, and spatial information, amino acid conservation, physicochemical variation, residue mobility, and thermodynamic stability) has been performed at Invitae for this missense variant, however the output from this modeling did not meet the statistical confidence thresholds required to predict the impact of this variant on IFIH1 protein function. In summary, the available evidence is currently insufficient to determine the role of this variant in disease. Therefore, it has been classified as a Variant of Uncertain Significance.

NM_022168.4(IFIH1):c.2894G>T (p.Gly965Val)

Gene: IFIH1 (interferon induced with helicase C domain 1; minus strand). Cytogenetic location: 2q24.2.
Variant type: single nucleotide variant.
Coding change: c.2894G>T on transcript NM_022168.4 (MANE Select); coding-DNA position 2894, G replaced by T.
Protein change: p.Gly965Val; replaces glycine 965 with valine.
Molecular consequence: missense variant.
Genome position (GRCh38, 1-based): chr2:162,267,483, C>A on the plus strand (G>T on the coding strand, the complement: IFIH1 is on the minus strand). VCF-style: chr2-162267483-C-A. GRCh37 (hg19) VCF-style: chr2-163123993-C-A.
Other names: short protein forms G965V.
Identifiers: ClinVar variation 1488354 (VCV001488354.6), dbSNP rs2105186932, ClinGen allele CA348989570.